The following is an entry in ClinVar:

NM_001042492.3(NF1):c.5038T>G (p.Tyr1680Asp)

Gene: NF1 (neurofibromin 1; plus strand). Cytogenetic location: 17q11.2.
Variant type: single nucleotide variant.
Coding change: c.5038T>G on transcript NM_001042492.3 (MANE Select); coding-DNA position 5038, T replaced by G.
Protein change: p.Tyr1680Asp; replaces tyrosine 1680 with aspartic acid.
Molecular consequence: missense variant.
Genome position (GRCh38, 1-based): chr17:31,326,022, T>G. VCF-style: chr17-31326022-T-G. GRCh37 (hg19) VCF-style: chr17-29653040-T-G.
Other names: c.4975T>G, p.Tyr1659Asp (NM_000267.4); short protein forms Y1680D, Y1659D.
Identifiers: ClinVar variation 941694 (VCV000941694.6), dbSNP rs2069331474, ClinGen allele CA399007369.

ClinVar aggregate classification (germline): Uncertain significance (1 of 4 stars; one submission).

Conditions:
Neurofibromatosis, type 1 (NF1). Also called: Peripheral type neurofibromatosis; VON RECKLINGHAUSEN DISEASE; Neurofibromatosis, type I; NEUROFIBROMATOSIS, TYPE I, SOMATIC. Identifiers: Orphanet 636, MedGen C0027831, MONDO:0018975, OMIM 162200. Disease mechanism: loss of function.

Submission:

Labcorp Genetics (formerly Invitae), Labcorp
Classification: Uncertain significance for Neurofibromatosis, type 1. Last evaluated: 2019-05-13. Review status: criteria provided, single submitter. Criteria: Invitae Variant Classification Sherloc (09022015). Collection method: clinical testing. Allele origin: germline.
Comment: This sequence change replaces tyrosine with aspartic acid at codon 1659 of the NF1 protein (p.Tyr1659Asp). The tyrosine residue is moderately conserved and there is a large physicochemical difference between tyrosine and aspartic acid. This variant is not present in population databases (ExAC no frequency). In summary, the available evidence is currently insufficient to determine the role of this variant in disease. Therefore, it has been classified as a Variant of Uncertain Significance. Algorithms developed to predict the effect of missense changes on protein structure and function are either unavailable or do not agree on the potential impact of this missense change (SIFT: "Deleterious"; PolyPhen-2: "Probably Damaging"; Align-GVGD: "Class C0"). This variant has not been reported in the literature in individuals with NF1-related conditions.